The following is an entry in ClinVar:

ClinVar aggregate classification (germline): Pathogenic. Review status: criteria provided, single submitter (1 of 4 stars). 2 submissions from 2 submitters: Pathogenic (1). 1 of the submissions does not count toward it. Last evaluated 2025-11-10.

Conditions:
Porokeratosis 1, Mibelli type (POROK1). Also called: Porokeratosis 1, multiple types. Identifiers: MedGen CN297066, MONDO:0008290, OMIM 175800.

Allele frequency attached by ClinVar (database versions not stated): TOPMed below 0.00001; gnomAD exomes below 0.00001 and 0.00001; ExAC 0.00002; gnomAD 0.00001.
gnomAD v4.1: 7 of 1,613,526 alleles (0.00043%); highest among the groups gnomAD compares: Non-Finnish European, 0.00059%; no homozygotes.

Submissions (2):

Dasa
Classification: Pathogenic. Last evaluated: 2025-11-10. Review status: criteria provided, single submitter. Criteria: DASA Assertion Criteria. Collection method: clinical testing. Allele origin: germline.
Comment: NM_006556.4(PMVK):c.412C>T (p.Arg138*) introduces a premature termination codon predicted to result in loss of normal protein function. Loss-of-function is an established mechanism of disease for this gene. Segregation evidence has been reported in affected families. This variant has been reported in individuals with related phenotype (PMID: 27052676). The variant is present at low frequency in population datasets. Based on the available data, this variant is classified as pathogenic.

OMIM
Classification: Pathogenic for POROKERATOSIS 1, MULTIPLE TYPES. Last evaluated: 2015-07-23. Review status: no assertion criteria provided. Collection method: literature only. Allele origin: germline. Not counted in ClinVar's aggregate classification.

Literature cited by the submitters: PubMed 27052676 (cited by Dasa); PubMed 26202976 (cited by OMIM).

NM_006556.4(PMVK):c.412C>T (p.Arg138Ter)

Gene: PMVK (phosphomevalonate kinase; minus strand). Cytogenetic location: 1q21.3.
Variant type: single nucleotide variant.
Coding change: c.412C>T on transcript NM_006556.4 (MANE Select); coding-DNA position 412, C replaced by T.
Protein change: p.Arg138Ter; replaces arginine 138 with a stop codon.
Molecular consequence: nonsense.
Genome position (GRCh38, 1-based): chr1:154,926,384, G>A on the plus strand (C>T on the coding strand, the complement: PMVK is on the minus strand). VCF-style: chr1-154926384-G-A. GRCh37 (hg19) VCF-style: chr1-154898860-G-A.
Other names: c.370C>T, p.Arg124Ter (NM_001323011.3); c.187C>T, p.Arg63Ter (NM_001323012.3, NM_001348696.2); short protein forms R138*, R124*, R63*.
Identifiers: ClinVar variation 253041 (VCV000253041.2), dbSNP rs745983207, ClinGen allele CA1132486.